The following is an entry in ClinVar:

NM_000038.6(APC):c.2335T>C (p.Leu779=)

Gene: APC (APC regulator of Wnt signaling pathway; plus strand). Cytogenetic location: 5q22.2.
Variant type: single nucleotide variant.
Coding change: c.2335T>C on transcript NM_000038.6 (MANE Select); coding-DNA position 2335, T replaced by C.
Protein change: p.Leu779=; no amino-acid change (leucine 779 retained).
Molecular consequence: synonymous variant.
Genome position (GRCh38, 1-based): chr5:112,837,929, T>C. VCF-style: chr5-112837929-T-C. GRCh37 (hg19) VCF-style: chr5-112173626-T-C.
Other names: c.2335T>C, p.Leu779= (NM_001127510.3, NM_001354895.2); c.2281T>C, p.Leu761= (NM_001127511.3); c.2389T>C, p.Leu797= (NM_001354896.2); c.2365T>C, p.Leu789= (NM_001354897.2); c.2260T>C, p.Leu754= (NM_001354898.2); c.2251T>C, p.Leu751= (NM_001354899.2); c.2212T>C, p.Leu738= (NM_001354900.2); c.2158T>C, p.Leu720= (NM_001354901.2); and 5 more.
Identifiers: ClinVar variation 469742 (VCV000469742.18), dbSNP rs369138788, ClinGen allele CA125167763.

ClinVar aggregate classification (germline): Conflicting classifications of pathogenicity. Review status: criteria provided, conflicting classifications (1 of 4 stars). 6 submissions from 6 submitters: Uncertain significance (1); Benign (1); Likely benign (4). Last evaluated 2025-10-13.

Conditions:
Hereditary cancer-predisposing syndrome. Also called: Hereditary neoplastic syndrome; Neoplastic Syndromes, Hereditary; Tumor predisposition; Hereditary Cancer Syndrome. Identifiers: Orphanet 140162, MedGen C0027672, MeSH D009386, MONDO:0015356.
Familial adenomatous polyposis 1 (FAP1). Also called: POLYPOSIS, ADENOMATOUS INTESTINAL; FAMILIAL ADENOMATOUS POLYPOSIS 1, ATTENUATED. Identifiers: MedGen C2713442, MONDO:0021056, OMIM 175100. Disease mechanism: loss of function.

Allele frequency attached by ClinVar (database versions not stated): gnomAD 0.00001; TOPMed 0.00002; ESP Exome Variant Server 0.00008.
gnomAD v4.1: 2 of 1,613,944 alleles (0.00012%); highest among the groups gnomAD compares: African/African-American, 0.0027%; no homozygotes.

Submissions (6):

Labcorp Genetics (formerly Invitae), Labcorp
Classification: Likely benign for Familial adenomatous polyposis 1. Last evaluated: 2025-10-13. Review status: criteria provided, single submitter. Criteria: Invitae Variant Classification Sherloc (09022015). Collection method: clinical testing. Allele origin: germline.

Quest Diagnostics Nichols Institute San Juan Capistrano
Classification: Uncertain significance. Last evaluated: 2025-06-10. Review status: criteria provided, single submitter. Criteria: Quest Diagnostics criteria. Collection method: clinical testing. Allele origin: unknown.
Comment: The APC c.2335T>C (p.Leu779=) synonymous variant has not been reported in individuals with APC-related conditions in the published literature. The frequency of this variant in the general population (Genome Aggregation Database) is uninformative in the assessment of its pathogenicity. Analysis of this variant using software algorithms for the prediction of the effect of nucleotide changes on splicing yielded predictions that this variant does not affect APC mRNA splicing. Based on the available information, we are unable to determine the clinical significance of this variant.

Myriad Genetics, Inc.
Classification: Benign for Familial adenomatous polyposis 1. Last evaluated: 2024-03-11. Review status: criteria provided, single submitter. Criteria: Myriad Autosomal Dominant, Autosomal Recessive and X-Linked Classification Criteria (2023). Collection method: clinical testing. Allele origin: unknown.
Comment: This variant is considered benign. This variant is a silent/synonymous amino acid change and it is not expected to impact splicing.

Ambry Genetics
Classification: Likely benign for Hereditary cancer-predisposing syndrome. Last evaluated: 2021-05-12. Review status: criteria provided, single submitter. Criteria: Ambry Variant Classification Scheme 2023. Collection method: clinical testing. Allele origin: germline.

Color Diagnostics, LLC DBA Color Health
Classification: Likely benign for Hereditary cancer-predisposing syndrome. Last evaluated: 2018-09-17. Review status: criteria provided, single submitter. Criteria: ACMG Guidelines, 2015. Collection method: clinical testing. Allele origin: germline.

GeneDx
Classification: Likely benign. Last evaluated: 2017-10-06. Review status: criteria provided, single submitter. Criteria: GeneDx Variant Classification (06012015). Collection method: clinical testing. Allele origin: germline. Affected: yes.
Comment: This variant is considered likely benign or benign based on one or more of the following criteria: it is a conservative change, it occurs at a poorly conserved position in the protein, it is predicted to be benign by multiple in silico algorithms, and/or has population frequency not consistent with disease.